The following is an entry in ClinVar:

NM_000085.5(CLCNKB):c.232C>T (p.His78Tyr)

Genes: CLCNKB (chloride voltage-gated channel Kb; plus strand), LOC106501713 (CLCNKB recombination region; plus strand). Cytogenetic location: 1p36.13.
Variant type: single nucleotide variant.
Coding change: c.232C>T on transcript NM_000085.5 (MANE Select); coding-DNA position 232, C replaced by T.
Protein change: p.His78Tyr; replaces histidine 78 with tyrosine.
Molecular consequence: missense variant.
Genome position (GRCh38, 1-based): chr1:16,046,537, C>T. VCF-style: chr1-16046537-C-T. GRCh37 (hg19) VCF-style: chr1-16373032-C-T.
Other names: short protein forms H78Y.
Identifiers: ClinVar variation 1371097 (VCV001371097.7), dbSNP rs774375793, ClinGen allele CA623242.

ClinVar aggregate classification (germline): Uncertain significance. Review status: criteria provided, multiple submitters, no conflicts (2 of 4 stars). 2 submissions from 2 submitters: Uncertain significance (2). Last evaluated 2021-07-30.

Allele frequency attached by ClinVar (database versions not stated): gnomAD exomes below 0.00001 and 0.00001; ExAC 0.00002; TOPMed 0.00002.
gnomAD v4.1: 7 of 1,613,936 alleles (0.00043%); highest among the groups gnomAD compares: Admixed American, 0.0017%; no homozygotes.

Submissions (2):

Labcorp Genetics (formerly Invitae), Labcorp
Classification: Uncertain significance. Last evaluated: 2021-07-30. Review status: criteria provided, single submitter. Criteria: Invitae Variant Classification Sherloc (09022015). Collection method: clinical testing. Allele origin: germline.
Comment: This sequence change replaces histidine with tyrosine at codon 78 of the CLCNKB protein (p.His78Tyr). The histidine residue is moderately conserved and there is a moderate physicochemical difference between histidine and tyrosine. Algorithms developed to predict the effect of missense changes on protein structure and function are either unavailable or do not agree on the potential impact of this missense change (SIFT: "Deleterious"; PolyPhen-2: "Possibly Damaging"; Align-GVGD: "Class C15"). This variant has not been reported in the literature in individuals affected with CLCNKB-related conditions. This variant is present in population databases (rs774375793, ExAC 0.009%). In summary, the available evidence is currently insufficient to determine the role of this variant in disease. Therefore, it has been classified as a Variant of Uncertain Significance.

Blueprint Genetics
Classification: Uncertain significance. Last evaluated: 2019-10-10. Review status: criteria provided, single submitter. Criteria: ACMG Guidelines, 2015. Collection method: clinical testing. Allele origin: germline.